The following is an entry in ClinVar:

ClinVar aggregate classification (germline): Likely benign (1 of 4 stars; one submission).

gnomAD v4.1: 4 of 1,614,204 alleles (0.00025%); highest among the groups gnomAD compares: Admixed American, 0.0017%; no homozygotes.

Submission:

CeGaT Center for Human Genetics Tuebingen
Classification: Likely benign. Last evaluated: 2024-06-01. Review status: criteria provided, single submitter. Criteria: CeGaT Center For Human Genetics Tuebingen Variant Classification Criteria Version 2. Collection method: clinical testing. Allele origin: germline. Affected: yes. Observed: 1 variant allele.
Comment: DDX59: BP4, BP7

NM_001031725.6(DDX59):c.132T>C (p.Ala44=)

Gene: DDX59 (DEAD-box helicase 59; minus strand). Cytogenetic location: 1q32.1.
Variant type: single nucleotide variant.
Coding change: c.132T>C on transcript NM_001031725.6 (MANE Select); coding-DNA position 132, T replaced by C.
Protein change: p.Ala44=; no amino-acid change (alanine 44 retained).
Molecular consequence: synonymous variant.
Genome position (GRCh38, 1-based): chr1:200,666,609, A>G on the plus strand (T>C on the coding strand, the complement: DDX59 is on the minus strand). VCF-style: chr1-200666609-A-G. GRCh37 (hg19) VCF-style: chr1-200635737-A-G.
Other names: c.132T>C, p.Ala44= (NM_001349800.3, NM_001349801.3, NM_001349802.3 and 5 more transcripts).
Identifiers: ClinVar variation 3250622 (VCV003250622.18), dbSNP rs139398102.